The following is an entry in ClinVar:

ClinVar aggregate classification (germline): Pathogenic/Likely pathogenic. Review status: criteria provided, multiple submitters, no conflicts (2 of 4 stars). 2 submissions from 2 submitters: Pathogenic (1); Likely pathogenic (1). Last evaluated 2025-08-27.

Conditions:
Smith-Lemli-Opitz syndrome (SLOS). Also called: POLYDACTYLY, SEX REVERSAL, RENAL HYPOPLASIA, AND UNILOBAR LUNG; RSH SYNDROME; RUTLEDGE LETHAL MULTIPLE CONGENITAL ANOMALY SYNDROME; LETHAL ACRODYSGENITAL SYNDROME; 7-Dehydrocholesterol reductase deficiency. Identifiers: Orphanet 818, MedGen C0175694, MONDO:0010035, OMIM 270400.

gnomAD v4.1: 2 of 1,613,922 alleles (0.00012%); highest among the groups gnomAD compares: Non-Finnish European, 0.00017%; no homozygotes.

Submissions (2):

Natera, Inc.
Classification: Likely pathogenic for Smith-Lemli-Opitz syndrome. Last evaluated: 2025-08-27. Review status: criteria provided, single submitter. Criteria: Natera Variant Classification Schema (03/2026). Collection method: clinical testing. Allele origin: germline.
Comment: The c.952T>A variant in DHCR7 is a missense variant predicted to cause substitution of tyrosine to asparagine at amino acid 318. This variant is rare in the general population with a frequency below the threshold expected for the associated phenotype(s). This variant has been observed in one or more individuals affected with the associated recessive disease, as either homozygous or compound heterozygous with a second variant (PMID: 15896653). Computational prediction algorithms indicate this variant is likely to affect gene or protein function. Given the available evidence, this variant is classified as Likely Pathogenic.

Labcorp Genetics (formerly Invitae), Labcorp
Classification: Pathogenic for Smith-Lemli-Opitz syndrome. Last evaluated: 2023-09-10. Review status: criteria provided, single submitter. Criteria: Invitae Variant Classification Sherloc (09022015). Collection method: clinical testing. Allele origin: germline.
Comment: For these reasons, this variant has been classified as Pathogenic. Advanced modeling of protein sequence and biophysical properties (such as structural, functional, and spatial information, amino acid conservation, physicochemical variation, residue mobility, and thermodynamic stability) performed at Invitae indicates that this missense variant is expected to disrupt DHCR7 protein function. ClinVar contains an entry for this variant (Variation ID: 845177). This missense change has been observed in individual(s) with Smith-Lemli-Opitz syndrome (PMID: 10995508). This variant is present in population databases (no rsID available, gnomAD 0.0009%). This sequence change replaces tyrosine, which is neutral and polar, with asparagine, which is neutral and polar, at codon 318 of the DHCR7 protein (p.Tyr318Asn).

Literature cited by the submitters: PubMed 15896653 (cited by Natera, Inc.); PubMed 10995508 (cited by Labcorp Genetics (formerly Invitae), Labcorp).

NM_001360.3(DHCR7):c.952T>A (p.Tyr318Asn)

Gene: DHCR7 (7-dehydrocholesterol reductase; minus strand). Cytogenetic location: 11q13.4.
Variant type: single nucleotide variant.
Coding change: c.952T>A on transcript NM_001360.3 (MANE Select); coding-DNA position 952, T replaced by A.
Protein change: p.Tyr318Asn; replaces tyrosine 318 with asparagine.
Molecular consequence: missense variant.
Genome position (GRCh38, 1-based): chr11:71,437,823, A>T on the plus strand (T>A on the coding strand, the complement: DHCR7 is on the minus strand). VCF-style: chr11-71437823-A-T. GRCh37 (hg19) VCF-style: chr11-71148869-A-T.
Other names: c.952T>A, p.Tyr318Asn (NM_001163817.2); short protein forms Y318N.
Identifiers: ClinVar variation 845177 (VCV000845177.10), dbSNP rs1177326550, ClinGen allele CA381702899.
Genomic context (GRCh38, chr11:71,437,823, plus strand): 5'-CATGTGTCTGCCAAATGCCCCGCTGGGCCAGCTCTGCCCACCTCCTCACCTGCAGCGTGT[A>T]AAGATAAGGCAGCCAGACACAGTCGCCCCAGCCCAGGTACCACCCGAAGTGGTCATGGCA-3'
Protein context (NP_001351.2, residues 308-328): WGDCVWLPYL[Tyr318Asn]TLQGLYLVYH